The following is an entry in ClinVar:

ClinVar aggregate classification (germline): Uncertain significance (1 of 4 stars; one submission).

Conditions:
Ullrich congenital muscular dystrophy 2 (UCMD2). Identifiers: Orphanet 75840, MedGen C4225314, MONDO:0014654, OMIM 616470.
Bethlem myopathy 2 (BTHLM2). Identifiers: Orphanet 536516, Orphanet 610, MedGen C4225313, MONDO:0034022, OMIM 616471.

gnomAD v4.1: 1 of 1,613,166 alleles (0.000062%); highest among the groups gnomAD compares: African/African-American, 0.0013%; no homozygotes.

Submission:

Labcorp Genetics (formerly Invitae), Labcorp
Classification: Uncertain significance for Bethlem myopathy 2; Ullrich congenital muscular dystrophy 2. Last evaluated: 2024-06-23. Review status: criteria provided, single submitter. Criteria: Invitae Variant Classification Sherloc (09022015). Collection method: clinical testing. Allele origin: germline.
Comment: This sequence change replaces glutamic acid, which is acidic and polar, with aspartic acid, which is acidic and polar, at codon 326 of the COL12A1 protein (p.Glu326Asp). This variant is not present in population databases (gnomAD no frequency). This variant has not been reported in the literature in individuals affected with COL12A1-related conditions. Advanced modeling of protein sequence and biophysical properties (such as structural, functional, and spatial information, amino acid conservation, physicochemical variation, residue mobility, and thermodynamic stability) performed at Invitae indicates that this missense variant is not expected to disrupt COL12A1 protein function with a negative predictive value of 80%. In summary, the available evidence is currently insufficient to determine the role of this variant in disease. Therefore, it has been classified as a Variant of Uncertain Significance.

NM_004370.6(COL12A1):c.978A>T (p.Glu326Asp)

Gene: COL12A1 (collagen type XII alpha 1 chain; minus strand). Cytogenetic location: 6q13.
Variant type: single nucleotide variant.
Coding change: c.978A>T on transcript NM_004370.6 (MANE Select); coding-DNA position 978, A replaced by T.
Protein change: p.Glu326Asp; replaces glutamic acid 326 with aspartic acid.
Molecular consequence: missense variant. On other transcripts: intron variant (2).
Genome position (GRCh38, 1-based): chr6:75,188,381, T>A on the plus strand (A>T on the coding strand, the complement: COL12A1 is on the minus strand). VCF-style: chr6-75188381-T-A. GRCh37 (hg19) VCF-style: chr6-75898097-T-A.
Other names: c.978A>T, p.Glu326Asp (NM_001424113.1, NM_001424114.1, NM_001424115.1); c.73+14339A>T (NM_001424116.1, NM_080645.3); short protein forms E326D.
Identifiers: ClinVar variation 3750865 (VCV003750865.2).